The following is an entry in ClinVar:

ClinVar aggregate classification (germline): Conflicting classifications of pathogenicity. Review status: criteria provided, conflicting classifications (1 of 4 stars). 3 submissions from 3 submitters: Uncertain significance (1); Benign (1). 1 of the submissions does not count toward it. Last evaluated 2024-01-16.

Conditions:
Microcephaly, normal intelligence and immunodeficiency (NBS). Also called: BERLIN BREAKAGE SYNDROME; SEEMANOVA SYNDROME II; Ataxia telangiectasia variant V1; IMMUNODEFICIENCY, MICROCEPHALY, AND CHROMOSOMAL INSTABILITY; Immunodeficiency, microcephaly with normal intelligence; Nijmegen breakage syndrome. Identifiers: Orphanet 647, MedGen C0398791, MONDO:0009623, OMIM 251260.
Hereditary cancer-predisposing syndrome. Also called: Hereditary neoplastic syndrome; Tumor predisposition; Hereditary Cancer Syndrome; Neoplastic Syndromes, Hereditary. Identifiers: Orphanet 140162, MedGen C0027672, MeSH D009386, MONDO:0015356.

Allele frequency attached by ClinVar (database versions not stated): gnomAD 0.00001; gnomAD exomes 0.00005; ExAC 0.00007.

Submissions (3):

Ambry Genetics
Classification: Benign for Hereditary cancer-predisposing syndrome. Last evaluated: 2024-01-16. Review status: criteria provided, single submitter. Criteria: Ambry Variant Classification Scheme 2023. Collection method: clinical testing. Allele origin: germline.

Labcorp Genetics (formerly Invitae), Labcorp
Classification: Uncertain significance for Microcephaly, normal intelligence and immunodeficiency. Last evaluated: 2022-08-23. Review status: criteria provided, single submitter. Criteria: Invitae Variant Classification Sherloc (09022015). Collection method: clinical testing. Allele origin: germline.
Comment: This sequence change replaces proline, which is neutral and non-polar, with arginine, which is basic and polar, at codon 427 of the NBN protein (p.Pro427Arg). This variant is present in population databases (rs778881191, gnomAD 0.04%). This variant has not been reported in the literature in individuals affected with NBN-related conditions. ClinVar contains an entry for this variant (Variation ID: 577915). Algorithms developed to predict the effect of missense changes on protein structure and function (SIFT, PolyPhen-2, Align-GVGD) all suggest that this variant is likely to be tolerated. In summary, the available evidence is currently insufficient to determine the role of this variant in disease. Therefore, it has been classified as a Variant of Uncertain Significance.

Natera, Inc.
Classification: Uncertain significance for Nijmegen breakage syndrome. Last evaluated: 2019-11-11. Review status: no assertion criteria provided. Collection method: clinical testing. Allele origin: germline. Not counted in ClinVar's aggregate classification.

NM_002485.5(NBN):c.1280C>G (p.Pro427Arg)

Gene: NBN (nibrin; minus strand). Cytogenetic location: 8q21.3.
Variant type: single nucleotide variant.
Coding change: c.1280C>G on transcript NM_002485.5 (MANE Select); coding-DNA position 1280, C replaced by G.
Protein change: p.Pro427Arg; replaces proline 427 with arginine.
Molecular consequence: missense variant.
Genome position (GRCh38, 1-based): chr8:89,955,400, G>C on the plus strand (C>G on the coding strand, the complement: NBN is on the minus strand). VCF-style: chr8-89955400-G-C. GRCh37 (hg19) VCF-style: chr8-90967628-G-C.
Other names: c.1034C>G, p.Pro345Arg (NM_001024688.3); short protein forms P427R, P345R.
Identifiers: ClinVar variation 577915 (VCV000577915.18), dbSNP rs778881191, ClinGen allele CA4802769.